The following is an entry in ClinVar:

ClinVar aggregate classification (germline): Uncertain significance (1 of 4 stars; one submission).

Allele frequency attached by ClinVar (database versions not stated): gnomAD exomes below 0.00001.
gnomAD v4.1: 1 of 1,614,078 alleles (0.000062%); no homozygotes.

Submission:

CeGaT Center for Human Genetics Tuebingen
Classification: Uncertain significance. Last evaluated: 2024-04-01. Review status: criteria provided, single submitter. Criteria: CeGaT Center For Human Genetics Tuebingen Variant Classification Criteria Version 2. Collection method: clinical testing. Allele origin: germline. Affected: yes. Observed: 1 variant allele.
Comment: SBF1: PM2

NM_002972.4(SBF1):c.4719G>T (p.Gln1573His)

Gene: SBF1 (SET binding factor 1; minus strand). Cytogenetic location: 22q13.33.
Variant type: single nucleotide variant.
Coding change: c.4719G>T on transcript NM_002972.4 (MANE Select); coding-DNA position 4719, G replaced by T.
Protein change: p.Gln1573His; replaces glutamine 1573 with histidine.
Molecular consequence: missense variant.
Genome position (GRCh38, 1-based): chr22:50,454,907, C>A on the plus strand (G>T on the coding strand, the complement: SBF1 is on the minus strand). VCF-style: chr22-50454907-C-A. GRCh37 (hg19) VCF-style: chr22-50893336-C-A.
Other names: c.4644G>T, p.Gln1548His (NM_001365819.1); c.4722G>T, p.Gln1574His (NM_001410794.1); c.4641G>T, p.Gln1547His (NM_001410795.1); c.4719G>T, p.Gln1573His (NM_197971.1); short protein forms Q1547H, Q1548H, Q1573H, Q1574H.
Identifiers: ClinVar variation 3234617 (VCV003234617.20), dbSNP rs2521827930, ClinGen allele CA412193473.